The following is an entry in ClinVar:

NM_006910.5(RBBP6):c.5051A>C (p.Gln1684Pro)

Gene: RBBP6 (RB binding protein 6, ubiquitin ligase; plus strand). Cytogenetic location: 16p12.1.
Variant type: single nucleotide variant.
Coding change: c.5051A>C on transcript NM_006910.5 (MANE Select); coding-DNA position 5051, A replaced by C.
Protein change: p.Gln1684Pro; replaces glutamine 1684 with proline.
Molecular consequence: missense variant.
Genome position (GRCh38, 1-based): chr16:24,572,117, A>C. VCF-style: chr16-24572117-A-C. GRCh37 (hg19) VCF-style: chr16-24583438-A-C.
Other names: c.4949A>C, p.Gln1650Pro (NM_018703.4); short protein forms Q1650P, Q1684P.
Identifiers: ClinVar variation 4082504 (VCV004082504.2).

ClinVar aggregate classification (germline): Uncertain significance (1 of 4 stars; one submission).

gnomAD v4.1: 1 of 1,614,160 alleles (0.000062%); highest among the groups gnomAD compares: Non-Finnish European, 0.000085%; no homozygotes.

Submission:

Genetic Services Laboratory, University of Chicago
Classification: Uncertain significance. Last evaluated: 2023-02-21. Review status: criteria provided, single submitter. Criteria: ACMG Guidelines, 2015. Collection method: clinical testing. Allele origin: germline. Affected: no.
Comment: DNA sequence analysis of the RBBP6 gene demonstrated a sequence change, c.5051A>C, in exon 18 that results in an amino acid change, p.Gln1684Pro. This sequence change does not appear to have been previously described in individuals with RBBP6-related disorders and has also not been described in population databases such as ExAC and gnomAD. The p.Gln1684Pro change affects a highly conserved amino acid residue located in a domain of the RBBP6 protein that is not known to be functional. In-silico pathogenicity prediction tools (SIFT, PolyPhen2, Align GVGD, REVEL) provide contradictory results for the p.Gln1684Pro substitution. Due to insufficient evidences and the lack of functional studies, the clinical significance of the p.Gln1684Pro change remains unknown at this time.